The following is an entry in ClinVar:

ClinVar aggregate classification (germline): Uncertain significance. Review status: criteria provided, multiple submitters, no conflicts (2 of 4 stars). 5 submissions from 5 submitters: Uncertain significance (5). Last evaluated 2025-09-02.

Conditions:
Hereditary cancer-predisposing syndrome. Also called: Tumor predisposition; Hereditary Cancer Syndrome; Neoplastic Syndromes, Hereditary; Hereditary neoplastic syndrome. Identifiers: Orphanet 140162, MedGen C0027672, MeSH D009386, MONDO:0015356.
Basal cell carcinoma, susceptibility to, 1. Also called: BCC1. Identifiers: MedGen C2751544, MONDO:0011556, OMIM 605462.
Gorlin syndrome. Also called: Basal cell nevus syndrome; Nevoid Basal Cell Carcinoma Syndrome. Identifiers: Orphanet 377, MedGen C0004779, MONDO:0007187.

Allele frequency attached by ClinVar (database versions not stated): gnomAD exomes below 0.00001.
gnomAD v4.1: 2 of 1,613,816 alleles (0.00012%); highest among the groups gnomAD compares: Non-Finnish European, 0.00017%; no homozygotes.

Submissions (5):

Labcorp Genetics (formerly Invitae), Labcorp
Classification: Uncertain significance for Gorlin syndrome. Last evaluated: 2025-09-02. Review status: criteria provided, single submitter. Criteria: Invitae Variant Classification Sherloc (09022015). Collection method: clinical testing. Allele origin: germline.
Comment: This sequence change replaces alanine, which is neutral and non-polar, with threonine, which is neutral and polar, at codon 239 of the PTCH1 protein (p.Ala239Thr). This variant is not present in population databases (gnomAD no frequency). This variant has not been reported in the literature in individuals affected with PTCH1-related conditions. ClinVar contains an entry for this variant (Variation ID: 973280). Invitae Evidence Modeling of protein sequence and biophysical properties (such as structural, functional, and spatial information, amino acid conservation, physicochemical variation, residue mobility, and thermodynamic stability) has been performed for this missense variant. However, the output from this modeling did not meet the statistical confidence thresholds required to predict the impact of this variant on PTCH1 protein function. In summary, the available evidence is currently insufficient to determine the role of this variant in disease. Therefore, it has been classified as a Variant of Uncertain Significance.

Ambry Genetics
Classification: Uncertain significance for Hereditary cancer-predisposing syndrome. Last evaluated: 2024-09-23. Review status: criteria provided, single submitter. Criteria: Ambry Variant Classification Scheme 2023. Collection method: clinical testing. Allele origin: germline.
Comment: The p.A239T variant (also known as c.715G>A), located in coding exon 5 of the PTCH1 gene, results from a G to A substitution at nucleotide position 715. The alanine at codon 239 is replaced by threonine, an amino acid with similar properties. This amino acid position is highly conserved in available vertebrate species. In addition, this alteration is predicted to be deleterious by in silico analysis. Since supporting evidence is limited at this time, the clinical significance of this alteration remains unclear.

Baylor Genetics
Classification: Uncertain significance for Basal cell carcinoma, susceptibility to, 1. Last evaluated: 2024-02-26. Review status: criteria provided, single submitter. Criteria: ACMG Guidelines, 2015. Collection method: clinical testing. Allele origin: unknown.

GeneDx
Classification: Uncertain significance. Last evaluated: 2024-01-09. Review status: criteria provided, single submitter. Criteria: GeneDx Variant Classification Process June 2021. Collection method: clinical testing. Allele origin: germline. Affected: yes.
Comment: Not observed at significant frequency in large population cohorts (gnomAD); In silico analysis supports that this missense variant does not alter protein structure/function; Has not been previously published as pathogenic or benign to our knowledge; This variant is associated with the following publications: (PMID: 8906794)

Illumina Laboratory Services, Illumina
Classification: Uncertain significance for Gorlin syndrome. Last evaluated: 2019-09-11. Review status: criteria provided, single submitter. Criteria: ICSLVariantClassificationCriteria RUGD 01 April 2020. Collection method: clinical testing. Allele origin: unknown.
Comment: The PTCH1 c.715G>A (p.Ala239Thr) variant is a missense variant. A literature search was performed for the gene, cDNA change and amino acid change. No publications were found based on this search. This variant is not found in the Genome Aggregation Database despite good sequence coverage, so the variant is presumed to be rare. Based on the limited evidence, the p.Ala239Thr variant is classified as a variant of unknown significance for nevoid basal cell carcinoma syndrome.

NM_000264.5(PTCH1):c.715G>A (p.Ala239Thr)

Gene: PTCH1 (patched 1; minus strand). Cytogenetic location: 9q22.32.
Variant type: single nucleotide variant.
Coding change: c.715G>A on transcript NM_000264.5 (MANE Select); coding-DNA position 715, G replaced by A.
Protein change: p.Ala239Thr; replaces alanine 239 with threonine.
Molecular consequence: missense variant. On other transcripts: non-coding transcript variant (1).
Genome position (GRCh38, 1-based): chr9:95,481,980, C>T on the plus strand (G>A on the coding strand, the complement: PTCH1 is on the minus strand). VCF-style: chr9-95481980-C-T. GRCh37 (hg19) VCF-style: chr9-98244262-C-T.
Other names: c.517G>A, p.Ala173Thr (NM_001083602.3, NM_001354919.2); c.712G>A, p.Ala238Thr (NM_001083603.3); c.262G>A, p.Ala88Thr (NM_001083604.3, NM_001083605.3, NM_001083606.3 and 1 more transcripts); c.715G>A, p.Ala239Thr (NM_001354918.2); short protein forms A238T, A88T, A173T, A239T.
Identifiers: ClinVar variation 973280 (VCV000973280.15), dbSNP rs1841573078, ClinGen allele CA374114855.